The following is an entry in ClinVar:

NM_001958.5(EEF1A2):c.333C>T (p.Cys111=)

Gene: EEF1A2 (eukaryotic translation elongation factor 1 alpha 2; minus strand). Cytogenetic location: 20q13.33.
Variant type: single nucleotide variant.
Coding change: c.333C>T on transcript NM_001958.5 (MANE Select); coding-DNA position 333, C replaced by T.
Protein change: p.Cys111=; no amino-acid change (cysteine 111 retained).
Molecular consequence: synonymous variant.
Genome position (GRCh38, 1-based): chr20:63,495,093, G>A on the plus strand (C>T on the coding strand, the complement: EEF1A2 is on the minus strand). VCF-style: chr20-63495093-G-A. GRCh37 (hg19) VCF-style: chr20-62126446-G-A.
Identifiers: ClinVar variation 2768708 (VCV002768708.17), dbSNP rs747850616, ClinGen allele CA9959115.
Genomic context (GRCh38, chr20:63,495,093, plus strand): 5'-CCCATTCTTGGAGATGCCCGCCTCGAACTCGCCCACGCCCGCCGCCACGATCAGCACTGC[G>A]CAGTCCGCCTGCCCGGCAGGGGACACAGTGAGCCCTGCCCCGCCTGCCTGGCAGGGGACA-3'
Protein context (NP_001949.1, residues 101-121): NMITGTSQAD[Cys111=]AVLIVAAGVG

ClinVar aggregate classification (germline): Likely benign. Review status: criteria provided, multiple submitters, no conflicts (2 of 4 stars). 2 submissions from 2 submitters: Likely benign (2). Last evaluated 2025-05-05.

Conditions:
Developmental and epileptic encephalopathy, 33 (DEE33). Also called: Epileptic encephalopathy, early infantile, 33. Identifiers: Orphanet 442835, MedGen C4225337, MONDO:0014625, OMIM 616409.

Allele frequency attached by ClinVar (database versions not stated): gnomAD 0.00002; TOPMed 0.00002; ExAC 0.00004.
gnomAD v4.1: 29 of 1,608,664 alleles (0.0018%); highest among the groups gnomAD compares: South Asian, 0.0099%; no homozygotes.

Submissions (2):

Labcorp Genetics (formerly Invitae), Labcorp
Classification: Likely benign for Developmental and epileptic encephalopathy, 33. Last evaluated: 2025-05-05. Review status: criteria provided, single submitter. Criteria: Invitae Variant Classification Sherloc (09022015). Collection method: clinical testing. Allele origin: germline.

CeGaT Center for Human Genetics Tuebingen
Classification: Likely benign. Last evaluated: 2024-10-01. Review status: criteria provided, single submitter. Criteria: CeGaT Center For Human Genetics Tuebingen Variant Classification Criteria Version 2. Collection method: clinical testing. Allele origin: germline. Affected: yes. Observed: 1 variant allele.
Comment: EEF1A2: BP4, BP7